The following is an entry in ClinVar:

ClinVar aggregate classification (germline): Uncertain significance (1 of 4 stars; one submission).

Allele frequency attached by ClinVar (database versions not stated): gnomAD 0.00002; TOPMed 0.00002; ExAC 0.00008.
gnomAD v4.1: 46 of 1,613,982 alleles (0.0029%); highest among the groups gnomAD compares: Non-Finnish European, 0.0033%; 1 homozygote.

Submission:

Labcorp Genetics (formerly Invitae), Labcorp
Classification: Uncertain significance. Last evaluated: 2022-07-07. Review status: criteria provided, single submitter. Criteria: Invitae Variant Classification Sherloc (09022015). Collection method: clinical testing. Allele origin: germline.
Comment: In summary, the available evidence is currently insufficient to determine the role of this variant in disease. Therefore, it has been classified as a Variant of Uncertain Significance. Algorithms developed to predict the effect of missense changes on protein structure and function are either unavailable or do not agree on the potential impact of this missense change (SIFT: "Deleterious"; PolyPhen-2: "Not Available"; Align-GVGD: "Class C0"). This variant has not been reported in the literature in individuals affected with SRCAP-related conditions. This variant is present in population databases (rs755489013, gnomAD 0.01%), including at least one homozygous and/or hemizygous individual. This sequence change replaces proline, which is neutral and non-polar, with threonine, which is neutral and polar, at codon 2929 of the SRCAP protein (p.Pro2929Thr).

NM_006662.3(SRCAP):c.8785C>A (p.Pro2929Thr)

Gene: SRCAP (Snf2 related CREBBP activator protein; plus strand). Cytogenetic location: 16p11.2.
Variant type: single nucleotide variant.
Coding change: c.8785C>A on transcript NM_006662.3 (MANE Select); coding-DNA position 8785, C replaced by A.
Protein change: p.Pro2929Thr; replaces proline 2929 with threonine.
Molecular consequence: missense variant.
Genome position (GRCh38, 1-based): chr16:30,738,825, C>A. VCF-style: chr16-30738825-C-A. GRCh37 (hg19) VCF-style: chr16-30750146-C-A.
Other names: short protein forms P2929T.
Identifiers: ClinVar variation 2190678 (VCV002190678.4), dbSNP rs755489013, ClinGen allele CA8012759.